The following is an entry in ClinVar:

ClinVar aggregate classification (germline): Pathogenic/Likely pathogenic. Review status: criteria provided, multiple submitters, no conflicts (2 of 4 stars). 3 submissions from 3 submitters: Pathogenic (1); Likely pathogenic (2). Last evaluated 2023-04-11.

Conditions:
Developmental and epileptic encephalopathy, 18 (DEE18). Also called: Early infantile epileptic encephalopathy 18. Identifiers: Orphanet 369894, MedGen C3809624, MONDO:0014201, OMIM 615476.

Allele frequency attached by ClinVar (database versions not stated): gnomAD exomes 0.00001; TOPMed 0.00001.
gnomAD v4.1: 1 of 1,560,676 alleles (0.000064%); highest among the groups gnomAD compares: Admixed American, 0.0019%; no homozygotes.

Submissions (3):

Genome-Nilou Lab
Classification: Likely pathogenic for Developmental and epileptic encephalopathy, 18. Last evaluated: 2023-04-11. Review status: criteria provided, single submitter. Criteria: ACMG Guidelines, 2015. Collection method: clinical testing. Allele origin: germline. Affected: no.

Labcorp Genetics (formerly Invitae), Labcorp
Classification: Pathogenic. Last evaluated: 2022-08-23. Review status: criteria provided, single submitter. Criteria: Invitae Variant Classification Sherloc (09022015). Collection method: clinical testing. Allele origin: germline.
Comment: This variant has not been reported in the literature in individuals affected with SZT2-related conditions. ClinVar contains an entry for this variant (Variation ID: 996846). For these reasons, this variant has been classified as Pathogenic. This variant is present in population databases (no rsID available, gnomAD 0.004%). This sequence change creates a premature translational stop signal (p.Arg3202*) in the SZT2 gene. It is expected to result in an absent or disrupted protein product. Loss-of-function variants in SZT2 are known to be pathogenic (PMID: 23932106, 27248490, 28556953).

New York Genome Center
Classification: Likely pathogenic for Developmental and epileptic encephalopathy, 18. Last evaluated: 2019-10-11. Review status: criteria provided, single submitter. Criteria: NYGC Assertion Criteria 2020. Collection method: clinical testing. Allele origin: germline. Inheritance: Autosomal recessive inheritance. Observed: 1 heterozygote. Study: CSER-NYCKidSeq.

Literature cited by the submitters: PubMed 23932106 (cited by Labcorp Genetics (formerly Invitae), Labcorp); PubMed 27248490 (cited by Labcorp Genetics (formerly Invitae), Labcorp); PubMed 28556953 (cited by Labcorp Genetics (formerly Invitae), Labcorp).

NM_001365999.1(SZT2):c.9775C>T (p.Arg3259Ter)

Genes: SZT2 (SZT2 subunit of KICSTOR complex; plus strand), SZT2-AS1 (SZT2 antisense RNA 1; minus strand). Cytogenetic location: 1p34.2.
Variant type: single nucleotide variant.
Coding change: c.9775C>T on transcript NM_001365999.1 (MANE Select); coding-DNA position 9775, C replaced by T.
Protein change: p.Arg3259Ter; replaces arginine 3259 with a stop codon.
Molecular consequence: nonsense. On other transcripts: non-coding transcript variant (1).
Genome position (GRCh38, 1-based): chr1:43,448,290, C>T. VCF-style: chr1-43448290-C-T. GRCh37 (hg19) VCF-style: chr1-43913961-C-T.
Other names: c.9604C>T, p.Arg3202Ter (NM_015284.4); short protein forms R3202*, R3259*.
Identifiers: ClinVar variation 996846 (VCV000996846.9), dbSNP rs1005930319, ClinGen allele CA340044631.
Genomic context (GRCh38, chr1:43,448,290, plus strand): 5'-ATTCTAGCGCCTGGACCGGCTCCTCTGTTCCCACCACTGGCTGCAGAGGTGGGCATGGCA[C>T]GAGCACGGCTGGCTCAGCTGGTGCGGCTGGCTGGAGGGCACTGCCGTCGGGACACCCTTT-3'